The following is an entry in ClinVar:

NM_000268.4(NF2):c.555G>C (p.Glu185Asp)

Gene: NF2 (NF2, moesin-ezrin-radixin like (MERLIN) tumor suppressor; plus strand). Cytogenetic location: 22q12.2.
Variant type: single nucleotide variant.
Coding change: c.555G>C on transcript NM_000268.4 (MANE Select); coding-DNA position 555, G replaced by C.
Protein change: p.Glu185Asp; replaces glutamic acid 185 with aspartic acid.
Molecular consequence: missense variant. On other transcripts: intron variant (1).
Genome position (GRCh38, 1-based): chr22:29,655,632, G>C. VCF-style: chr22-29655632-G-C. GRCh37 (hg19) VCF-style: chr22-30051621-G-C.
Other names: c.441G>C, p.Glu147Asp (NM_001407053.1, NM_001407056.1); c.432G>C, p.Glu144Asp (NM_001407054.1, NM_001407058.1, NM_001407062.1 and 1 more transcripts); c.429G>C, p.Glu143Asp (NM_001407055.1, NM_181828.3); c.555G>C, p.Glu185Asp (NM_001407057.1, NM_001407059.1, NM_001407060.1 and 4 more transcripts); c.306G>C, p.Glu102Asp (NM_001407063.1, NM_001407064.1, NM_181830.3 and 1 more transcripts); c.21G>C, p.Glu7Asp (NM_001407065.1); c.324G>C, p.Glu108Asp (NM_001407067.1); c.447+13347G>C (NM_181833.3); short protein forms E147D, E7D, E143D, E185D, E108D, E102D, E144D.
Identifiers: ClinVar variation 4708923 (VCV004708923.1).

ClinVar aggregate classification (germline): Uncertain significance (1 of 4 stars; one submission).

Conditions:
Neurofibromatosis, type 2 (SWNV). Also called: BILATERAL ACOUSTIC NEUROFIBROMATOSIS; NF2-Related Schwannomatosis; SCHWANNOMATOSIS, VESTIBULAR. Identifiers: Orphanet 637, MedGen C0027832, MONDO:0007039, OMIM 101000. Disease mechanism: loss of function.

Submission:

Labcorp Genetics (formerly Invitae), Labcorp
Classification: Uncertain significance for Neurofibromatosis, type 2. Last evaluated: 2025-06-19. Review status: criteria provided, single submitter. Criteria: Invitae Variant Classification Sherloc (09022015). Collection method: clinical testing. Allele origin: germline.
Comment: This sequence change replaces glutamic acid, which is acidic and polar, with aspartic acid, which is acidic and polar, at codon 185 of the NF2 protein (p.Glu185Asp). This variant is not present in population databases (gnomAD no frequency). This variant has not been reported in the literature in individuals affected with NF2-related conditions. Invitae Evidence Modeling of protein sequence and biophysical properties (such as structural, functional, and spatial information, amino acid conservation, physicochemical variation, residue mobility, and thermodynamic stability) has been performed for this missense variant. However, the output from this modeling did not meet the statistical confidence thresholds required to predict the impact of this variant on NF2 protein function. In summary, the available evidence is currently insufficient to determine the role of this variant in disease. Therefore, it has been classified as a Variant of Uncertain Significance.